The following is an entry in ClinVar:

NM_005751.5(AKAP9):c.7346A>G (p.Asn2449Ser)

Gene: AKAP9 (A-kinase anchoring protein 9; plus strand). Cytogenetic location: 7q21.2.
Variant type: single nucleotide variant.
Coding change: c.7346A>G on transcript NM_005751.5 (MANE Select); coding-DNA position 7346, A replaced by G.
Protein change: p.Asn2449Ser; replaces asparagine 2449 with serine.
Molecular consequence: missense variant.
Genome position (GRCh38, 1-based): chr7:92,079,479, A>G. VCF-style: chr7-92079479-A-G. GRCh37 (hg19) VCF-style: chr7-91708793-A-G.
Other names: c.1991A>G, p.Asn664Ser (NM_001379277.1); c.7322A>G, p.Asn2441Ser (NM_147185.3); short protein forms N2441S, N2449S, N664S.
Identifiers: ClinVar variation 2047805 (VCV002047805.4), dbSNP rs746289779, ClinGen allele CA4337269.

ClinVar aggregate classification (germline): Uncertain significance (1 of 4 stars; one submission).

Conditions:
Long QT syndrome (LQTS). Identifiers: MedGen C0023976, MeSH D008133, MONDO:0002442. Disease mechanism: loss of function. Inheritance: Various modes of inheritance.

Allele frequency attached by ClinVar (database versions not stated): TOPMed 0.00001; ExAC 0.00001.
gnomAD v4.1: 44 of 1,614,040 alleles (0.0027%); highest among the groups gnomAD compares: Non-Finnish European, 0.0036%; no homozygotes.

Submission:

Labcorp Genetics (formerly Invitae), Labcorp
Classification: Uncertain significance for Long QT syndrome. Last evaluated: 2024-08-28. Review status: criteria provided, single submitter. Criteria: Invitae Variant Classification Sherloc (09022015). Collection method: clinical testing. Allele origin: germline.
Comment: This sequence change replaces asparagine, which is neutral and polar, with serine, which is neutral and polar, at codon 2449 of the AKAP9 protein (p.Asn2449Ser). This variant is present in population databases (rs746289779, gnomAD 0.003%). This variant has not been reported in the literature in individuals affected with AKAP9-related conditions. ClinVar contains an entry for this variant (Variation ID: 2047805). An algorithm developed to predict the effect of missense changes on protein structure and function (PolyPhen-2) suggests that this variant is likely to be tolerated. In summary, the available evidence is currently insufficient to determine the role of this variant in disease. Therefore, it has been classified as a Variant of Uncertain Significance.